The following is an entry in ClinVar:

NM_001277115.2(DNAH11):c.991G>A (p.Glu331Lys)

Gene: DNAH11 (dynein axonemal heavy chain 11; plus strand). Cytogenetic location: 7p15.3.
Variant type: single nucleotide variant.
Coding change: c.991G>A on transcript NM_001277115.2 (MANE Select); coding-DNA position 991, G replaced by A.
Protein change: p.Glu331Lys; replaces glutamic acid 331 with lysine.
Molecular consequence: missense variant.
Genome position (GRCh38, 1-based): chr7:21,564,194, G>A. VCF-style: chr7-21564194-G-A. GRCh37 (hg19) VCF-style: chr7-21603812-G-A.
Other names: p.Glu331Lys; short protein forms E331K.
Identifiers: ClinVar variation 410865 (VCV000410865.21), dbSNP rs550602612, ClinGen allele CA4178872.

ClinVar aggregate classification (germline): Conflicting classifications of pathogenicity. Review status: criteria provided, conflicting classifications (1 of 4 stars). 6 submissions from 6 submitters: Uncertain significance (5); Benign (1). Last evaluated 2025-11-25.

Conditions:
Primary ciliary dyskinesia. Also called: Ciliary dyskinesia. Identifiers: Orphanet 244, MedGen C0008780, MONDO:0016575, HP:0012265.
Primary ciliary dyskinesia 7. Also called: CILIARY DYSKINESIA, PRIMARY, 7, WITH OR WITHOUT SITUS INVERSUS. Identifiers: Orphanet 244, MedGen C2678473, MONDO:0012748, OMIM 611884.

Allele frequency attached by ClinVar (database versions not stated): gnomAD 0.00006; TOPMed 0.00006; gnomAD exomes 0.00011 and 0.00013; ExAC 0.00017.
gnomAD v4.1: 162 of 1,565,554 alleles (0.01%); highest among the groups gnomAD compares: Non-Finnish European, 0.013%; no homozygotes.

Submissions (6):

Labcorp Genetics (formerly Invitae), Labcorp
Classification: Benign for Primary ciliary dyskinesia. Last evaluated: 2025-11-25. Review status: criteria provided, single submitter. Criteria: Invitae Variant Classification Sherloc (09022015). Collection method: clinical testing. Allele origin: germline.

Mayo Clinic Laboratories, Mayo Clinic
Classification: Uncertain significance. Last evaluated: 2023-05-24. Review status: criteria provided, single submitter. Criteria: ACMG Guidelines, 2015. Collection method: clinical testing. Allele origin: germline. Observed: 1 variant allele.

Ambry Genetics
Classification: Uncertain significance for Primary ciliary dyskinesia. Last evaluated: 2022-04-04. Review status: criteria provided, single submitter. Criteria: Ambry Variant Classification Scheme 2023. Collection method: clinical testing. Allele origin: germline.
Comment: The p.E331K variant (also known as c.991G>A), located in coding exon 6 of the DNAH11 gene, results from a G to A substitution at nucleotide position 991. The glutamic acid at codon 331 is replaced by lysine, an amino acid with similar properties. This amino acid position is conserved. In addition, the in silico prediction for this alteration is inconclusive. Since supporting evidence is limited at this time, the clinical significance of this alteration remains unclear.

Fulgent Genetics
Classification: Uncertain significance for Primary ciliary dyskinesia 7. Last evaluated: 2021-08-24. Review status: criteria provided, single submitter. Criteria: ACMG Guidelines, 2015. Collection method: clinical testing. Allele origin: unknown.

GeneDx
Classification: Uncertain significance. Last evaluated: 2019-05-06. Review status: criteria provided, single submitter. Criteria: GeneDx Variant Classification Process June 2021. Collection method: clinical testing. Allele origin: germline. Affected: yes.
Comment: In silico analysis, which includes protein predictors and evolutionary conservation, supports a deleterious effect; Has not been previously published as pathogenic or benign to our knowledge

Illumina Laboratory Services, Illumina
Classification: Uncertain significance for Primary ciliary dyskinesia 7. Last evaluated: 2018-01-13. Review status: criteria provided, single submitter. Criteria: ICSL Variant Classification Criteria 13 December 2019. Collection method: clinical testing. Allele origin: germline.